The following is an entry in ClinVar:

NM_144997.7(FLCN):c.1194C>T (p.Gly398=)

Gene: FLCN (folliculin; minus strand). Cytogenetic location: 17p11.2.
Variant type: single nucleotide variant.
Coding change: c.1194C>T on transcript NM_144997.7 (MANE Select); coding-DNA position 1194, C replaced by T.
Protein change: p.Gly398=; no amino-acid change (glycine 398 retained).
Molecular consequence: synonymous variant.
Genome position (GRCh38, 1-based): chr17:17,216,486, G>A on the plus strand (C>T on the coding strand, the complement: FLCN is on the minus strand). VCF-style: chr17-17216486-G-A. GRCh37 (hg19) VCF-style: chr17-17119800-G-A.
Other names: c.1248C>T, p.Gly416= (NM_001353229.2); c.1194C>T, p.Gly398= (NM_001353230.2, NM_001353231.2).
Identifiers: ClinVar variation 4822740 (VCV004822740.4).

ClinVar aggregate classification (germline): Likely benign (1 of 4 stars; one submission).

gnomAD v4.1: 3 of 1,613,870 alleles (0.00019%); highest among the groups gnomAD compares: South Asian, 0.0033%; no homozygotes.

Submission:

CeGaT Center for Human Genetics Tuebingen
Classification: Likely benign. Last evaluated: 2026-02-01. Review status: criteria provided, single submitter. Criteria: CeGaT Center For Human Genetics Tuebingen Variant Classification Criteria Version 2. Collection method: clinical testing. Allele origin: germline. Affected: yes. Observed: 1 variant allele.
Comment: FLCN: BP4, BP7